The following is an entry in ClinVar:

ClinVar aggregate classification (germline): Likely benign. Review status: criteria provided, multiple submitters, no conflicts (2 of 4 stars). 4 submissions from 4 submitters: Likely benign (4). Last evaluated 2026-08-01.

Conditions:
Hereditary cancer-predisposing syndrome. Also called: Neoplastic Syndromes, Hereditary; Hereditary neoplastic syndrome; Tumor predisposition; Hereditary Cancer Syndrome. Identifiers: Orphanet 140162, MedGen C0027672, MeSH D009386, MONDO:0015356.
EGFR-related lung cancer (EGFR). Identifiers: MedGen CN130014.

Allele frequency attached by ClinVar (database versions not stated): gnomAD 0.00002 and 0.00003; gnomAD exomes 0.00004; ExAC 0.00005; TOPMed 0.00007; ESP Exome Variant Server 0.00015.
gnomAD v4.1: 96 of 1,614,044 alleles (0.0059%); highest among the groups gnomAD compares: Middle Eastern, 0.033%; no homozygotes.

Submissions (4):

CeGaT Center for Human Genetics Tuebingen
Classification: Likely benign. Last evaluated: 2026-08-01. Review status: criteria provided, single submitter. Criteria: CeGaT Center For Human Genetics Tuebingen Variant Classification Criteria Version 2. Collection method: clinical testing. Allele origin: germline. Affected: yes. Observed: 4 variant alleles.
Comment: EGFR: BP4, BP7

Labcorp Genetics (formerly Invitae), Labcorp
Classification: Likely benign for EGFR-related lung cancer. Last evaluated: 2026-01-24. Review status: criteria provided, single submitter. Criteria: Invitae Variant Classification Sherloc (09022015). Collection method: clinical testing. Allele origin: germline.

Ambry Genetics
Classification: Likely benign for Hereditary cancer-predisposing syndrome. Last evaluated: 2024-11-18. Review status: criteria provided, single submitter. Criteria: Ambry Variant Classification Scheme 2023. Collection method: clinical testing. Allele origin: germline.

Blueprint Genetics
Classification: Likely benign. Last evaluated: 2024-03-18. Review status: criteria provided, single submitter. Criteria: ACMG Guidelines, 2015. Collection method: clinical testing. Allele origin: germline.

NM_005228.5(EGFR):c.339C>T (p.Tyr113=)

Gene: EGFR (epidermal growth factor receptor; plus strand). Cytogenetic location: 7p11.2.
Variant type: single nucleotide variant.
Coding change: c.339C>T on transcript NM_005228.5 (MANE Select); coding-DNA position 339, C replaced by T.
Protein change: p.Tyr113=; no amino-acid change (tyrosine 113 retained).
Molecular consequence: synonymous variant. On other transcripts: intron variant (1).
Genome position (GRCh38, 1-based): chr7:55,143,403, C>T. VCF-style: chr7-55143403-C-T. GRCh37 (hg19) VCF-style: chr7-55211096-C-T.
Other names: c.339C>T (NM_005228.3); c.339C>T, p.Tyr113= (NM_001346897.2, NM_001346898.2, NM_001346899.2 and 3 more transcripts); c.180C>T, p.Tyr60= (NM_001346900.2); c.89-12427C>T (NM_001346941.2).
Identifiers: ClinVar variation 1103363 (VCV001103363.34), dbSNP rs374582814, ClinGen allele CA4265183.